The following is an entry in ClinVar:

ClinVar aggregate classification (germline): Uncertain significance (1 of 4 stars; one submission).

Submission:

Labcorp Genetics (formerly Invitae), Labcorp
Classification: Uncertain significance. Last evaluated: 2026-01-22. Review status: criteria provided, single submitter. Criteria: Invitae Variant Classification Sherloc (09022015). Collection method: clinical testing. Allele origin: germline.
Comment: This sequence change replaces alanine, which is neutral and non-polar, with proline, which is neutral and non-polar, at codon 700 of the KANK2 protein (p.Ala700Pro). This variant is not present in population databases (gnomAD no frequency). This variant has not been reported in the literature in individuals affected with KANK2-related conditions. An algorithm developed to predict the effect of missense changes on protein structure and function (PolyPhen-2) suggests that this variant is likely to be disruptive. In summary, the available evidence is currently insufficient to determine the role of this variant in disease. Therefore, it has been classified as a Variant of Uncertain Significance.

NM_001136191.3(KANK2):c.2098G>C (p.Ala700Pro)

Gene: KANK2 (KN motif and ankyrin repeat domains 2; minus strand). Cytogenetic location: 19p13.2.
Variant type: single nucleotide variant.
Coding change: c.2098G>C on transcript NM_001136191.3 (MANE Select); coding-DNA position 2098, G replaced by C.
Protein change: p.Ala700Pro; replaces alanine 700 with proline.
Molecular consequence: missense variant.
Genome position (GRCh38, 1-based): chr19:11,173,094, C>G on the plus strand (G>C on the coding strand, the complement: KANK2 is on the minus strand). VCF-style: chr19-11173094-C-G. GRCh37 (hg19) VCF-style: chr19-11283770-C-G.
Other names: c.2098G>C, p.Ala700Pro (NM_001329451.2, NM_001379555.1, NM_001379556.1 and 7 more transcripts); c.2122G>C, p.Ala708Pro (NM_001379548.1, NM_001379549.1, NM_001379550.1 and 5 more transcripts); short protein forms A700P, A708P.
Identifiers: ClinVar variation 4728797 (VCV004728797.1).